The following is an entry in ClinVar:

NM_000383.4(AIRE):c.98C>G (p.Ala33Gly)

Gene: AIRE (autoimmune regulator; plus strand). Cytogenetic location: 21q22.3.
Variant type: single nucleotide variant.
Coding change: c.98C>G on transcript NM_000383.4 (MANE Select); coding-DNA position 98, C replaced by G.
Protein change: p.Ala33Gly; replaces alanine 33 with glycine.
Molecular consequence: missense variant.
Genome position (GRCh38, 1-based): chr21:44,286,104, C>G. VCF-style: chr21-44286104-C-G. GRCh37 (hg19) VCF-style: chr21-45705987-C-G.
Other names: short protein forms A33G.
Identifiers: ClinVar variation 4979569 (VCV004979569.1).

ClinVar aggregate classification (germline): Uncertain significance (1 of 4 stars; one submission).

Conditions:
AIRE-related disorder. Also called: AIRE-related condition.

Submission:

PreventionGenetics, part of Exact Sciences
Classification: Uncertain significance for AIRE-related condition. Last evaluated: 2025-03-04. Review status: criteria provided, single submitter. Criteria: ACMG Guidelines, 2015. Collection method: clinical testing. Allele origin: germline.
Comment: The AIRE c.98C>G variant is predicted to result in the amino acid substitution p.Ala33Gly. To our knowledge, this variant has not been reported in the literature. This variant is reported in 0.0041% of alleles in individuals of Latino descent in gnomAD. At this time, the clinical significance of this variant is uncertain due to the absence of conclusive functional and genetic evidence.